The following is an entry in ClinVar:

ClinVar aggregate classification (germline): Likely pathogenic. Review status: criteria provided, single submitter (1 of 4 stars). 2 submissions from 2 submitters: Likely pathogenic (1). 1 of the submissions does not count toward it. Last evaluated 2024-09-16.

Conditions:
CDKL5 disorder. Identifiers: MedGen CN296942, MONDO:0100039.
Developmental and epileptic encephalopathy, 2 (DEE2). Also called: INFANTILE SPASM SYNDROME, X-LINKED 2; CDKL5 deficiency disorder. Identifiers: Orphanet 1934, Orphanet 3451, Orphanet 505652, MedGen C4750718, MONDO:0010396, OMIM 300672.

Submissions (2):

Centre for Population Genomics, CPG
Classification: Likely pathogenic for CDKL5 disorder. Last evaluated: 2024-09-16. Review status: criteria provided, single submitter. Criteria: McKnight et al. (Hum Mutat. 2022). Collection method: curation. Allele origin: germline. Inheritance: X-linked inheritance.
Comment: This variant has been collected from RettBASE and curated to current modified ACMG/AMP criteria. Based on the classification scheme defined by the ClinGen Rett/Angelman-like Expert Panel for Rett/AS-like Disorders Specifications to the ACMG/AMP Variant Interpretation Guidelines VCEP 3.0, this variant is classified as likely pathogenic. At least the following criteria are met: Predicted to result in loss of function, and LOF is a known mechanism of disease (PVS1). This variant is absent from gnomAD (PM2_Supporting). Has been observed in at least 1 individual with phenotypes consistent with CDKL5 disorder (PMID: 19780792).

RettBASE
Classification: Pathogenic for Epileptic encephalopathy, early infantile, 2. Last evaluated: 2014-03-13. Review status: no assertion criteria provided. Collection method: curation. Allele origin: unknown. Affected: yes. Observed: 1 variant allele. Not counted in ClinVar's aggregate classification.

Literature cited by the submitters: PubMed 19780792 (cited by RettBASE).

NM_001323289.2(CDKL5):c.2066del (p.Pro689fs)

Gene: CDKL5 (cyclin dependent kinase like 5; plus strand). Cytogenetic location: Xp22.13.
Variant type: Deletion.
Coding change: c.2066del on transcript NM_001323289.2 (MANE Select); coding-DNA position 2066, one base deleted (C; older notation c.2066delC).
Protein change: p.Pro689fs; shifts the reading frame from proline 689.
Molecular consequence: frameshift variant.
Genome position (GRCh38, 1-based): chrX:18,609,484, C deleted; the last of 3 consecutive C bases (chrX:18,609,482-18,609,484); deleting any one gives the same sequence. VCF-style (leftmost placement, unchanged base first): chrX-18609481-AC-A. GRCh37 (hg19) VCF-style: chrX-18627601-AC-A.
Other names: NM_001323289.2(CDKL5):c.2066del; p.Pro689fs; c.2066del, p.Pro689fs (NM_001037343.2, NM_003159.3); c.2066delC (NM_003159.2); short protein forms P689fs.
Identifiers: ClinVar variation 143795 (VCV000143795.4), dbSNP rs267608651, ClinGen allele CA170468.